The following is an entry in ClinVar:

ClinVar aggregate classification (germline): Benign/Likely benign. Review status: criteria provided, multiple submitters, no conflicts (2 of 4 stars). 5 submissions from 5 submitters: Benign (1); Likely benign (3). 1 of the submissions does not count toward it. Last evaluated 2026-01-28.

Conditions:
HPS6-related disorder. Also called: HPS6-related condition.
Hermansky-Pudlak syndrome 6 (HPS6). Identifiers: Orphanet 231512, Orphanet 79430, MedGen C3888007, MONDO:0013558, OMIM 614075.

Allele frequency attached by ClinVar (database versions not stated): gnomAD 0.00001 and 0.00030; TOPMed 0.00004; gnomAD exomes 0.00041 and 0.00100; 1000 Genomes Project 0.00160; 1000 Genomes Project 30x 0.00187; ExAC 0.00212.

Submissions (5):

Labcorp Genetics (formerly Invitae), Labcorp
Classification: Benign. Last evaluated: 2026-01-28. Review status: criteria provided, single submitter. Criteria: Invitae Variant Classification Sherloc (09022015). Collection method: clinical testing. Allele origin: germline.

Blueprint Genetics
Classification: Likely benign. Last evaluated: 2024-07-01. Review status: criteria provided, single submitter. Criteria: ACMG Guidelines, 2015. Collection method: clinical testing. Allele origin: germline.

Illumina Laboratory Services, Illumina
Classification: Likely benign for Hermansky-Pudlak syndrome 6. Last evaluated: 2018-01-13. Review status: criteria provided, single submitter. Criteria: ICSL Variant Classification Criteria 13 December 2019. Collection method: clinical testing. Allele origin: germline.
Comment: This variant was observed in the ICSL laboratory as part of a predisposition screen in an ostensibly healthy population. It had not been previously curated by ICSL or reported in the Human Gene Mutation Database (HGMD: prior to June 1st, 2018), and was therefore a candidate for classification through an automated scoring system. Utilizing variant allele frequency, disease prevalence and penetrance estimates, and inheritance mode, an automated score was calculated to assess if this variant is too frequent to cause the disease. Based on the score and internal cut-off values, a variant classified as likely benign is not then subjected to further curation. The score for this variant resulted in a classification of likely benign for this disease.

Eurofins Ntd Llc (ga)
Classification: Likely benign. Last evaluated: 2016-02-25. Review status: criteria provided, single submitter. Criteria: EGL Classification Definitions 2015. Collection method: clinical testing. Allele origin: germline. Observed: 1 variant allele, 1 heterozygote.

PreventionGenetics, part of Exact Sciences
Classification: Likely benign for HPS6-related condition. Last evaluated: 2024-08-14. Review status: no assertion criteria provided. Collection method: clinical testing. Allele origin: germline. Not counted in ClinVar's aggregate classification.
Comment: This variant is classified as likely benign based on ACMG/AMP sequence variant interpretation guidelines (Richards et al. 2015 PMID: 25741868, with internal and published modifications).

NM_024747.6(HPS6):c.105T>C (p.Arg35=)

Genes: HPS6 (HPS6 biogenesis of lysosomal organelles complex 2 subunit 3; plus strand), LOC130004578 (ATAC-STARR-seq lymphoblastoid silent region 2738; plus strand). Cytogenetic location: 10q24.32.
Variant type: single nucleotide variant.
Coding change: c.105T>C on transcript NM_024747.6 (MANE Select); coding-DNA position 105, T replaced by C.
Protein change: p.Arg35=; no amino-acid change (arginine 35 retained).
Molecular consequence: synonymous variant.
Genome position (GRCh38, 1-based): chr10:102,065,579, T>C. VCF-style: chr10-102065579-T-C. GRCh37 (hg19) VCF-style: chr10-103825336-T-C.
Identifiers: ClinVar variation 286495 (VCV000286495.19), dbSNP rs573488604, ClinGen allele CA5659745.